The following is an entry in ClinVar:

NM_001145346.2(RBMXL3):c.1572C>T (p.Gly524=)

Genes: LRCH2 (leucine rich repeats and calponin homology domain containing 2; minus strand), RBMXL3 (RBMX like 3; plus strand). Cytogenetic location: Xq23.
Variant type: single nucleotide variant.
Coding change: c.1572C>T on transcript NM_001145346.2 (MANE Select); coding-DNA position 1572, C replaced by T.
Protein change: p.Gly524=; no amino-acid change (glycine 524 retained).
Molecular consequence: synonymous variant. On other transcripts: intron variant (2).
Genome position (GRCh38, 1-based): chrX:115,191,013, C>T. VCF-style: chrX-115191013-C-T. GRCh37 (hg19) VCF-style: chrX-114425576-C-T.
Other names: c.350-2643G>A (NM_001243963.2, NM_020871.4).
Identifiers: ClinVar variation 2661238 (VCV002661238.24), dbSNP rs782600561, ClinGen allele CA10496314.

ClinVar aggregate classification (germline): Likely benign (1 of 4 stars; one submission).

Allele frequency attached by ClinVar (database versions not stated): gnomAD exomes 0.00004; gnomAD 0.00007; TOPMed 0.00008; ExAC 0.00013.
gnomAD v4.1: 48 of 1,162,985 alleles (0.0041%); highest among the groups gnomAD compares: Admixed American, 0.039%; no homozygotes.

Submission:

CeGaT Center for Human Genetics Tuebingen
Classification: Likely benign. Last evaluated: 2022-07-01. Review status: criteria provided, single submitter. Criteria: CeGaT Center For Human Genetics Tuebingen Variant Classification Criteria Version 2. Collection method: clinical testing. Allele origin: germline. Affected: yes. Observed: 1 variant allele.
Comment: RBMXL3: BP4, BP7